The following is an entry in ClinVar:

ClinVar aggregate classification (germline): Conflicting classifications of pathogenicity. Review status: criteria provided, conflicting classifications (1 of 4 stars). 3 submissions from 3 submitters: Uncertain significance (2); Likely benign (1). Last evaluated 2026-07-03.

Conditions:
Cardiovascular phenotype. Identifiers: MedGen CN230736.
Cardiomyopathy (CMYO). Also called: Cardiomyopathies. Identifiers: Orphanet 167848, MedGen C0878544, MONDO:0004994, HP:0001638. Inheritance: Various modes of inheritance.
Arrhythmogenic right ventricular dysplasia 9 (ARVD9). Also called: Arrhythmogenic Right Ventricular Dysplasia/Cardiomyopathy 9; ARRHYTHMOGENIC RIGHT VENTRICULAR DYSPLASIA, FAMILIAL, 9. Identifiers: MedGen C1836906, MONDO:0012180, OMIM 609040.

Allele frequency attached by ClinVar (database versions not stated): TOPMed 0.00001.
gnomAD v4.1: 1 of 1,598,704 alleles (0.000063%); no homozygotes.

Submissions (3):

Ambry Genetics
Classification: Uncertain significance for Cardiovascular phenotype. Last evaluated: 2026-07-03. Review status: criteria provided, single submitter. Criteria: Ambry Variant Classification Scheme 2023. Collection method: clinical testing. Allele origin: germline.

Labcorp Genetics (formerly Invitae), Labcorp
Classification: Uncertain significance for Arrhythmogenic right ventricular dysplasia 9. Last evaluated: 2025-12-16. Review status: criteria provided, single submitter. Criteria: Invitae Variant Classification Sherloc (09022015). Collection method: clinical testing. Allele origin: germline.
Comment: This sequence change replaces serine, which is neutral and polar, with phenylalanine, which is neutral and non-polar, at codon 102 of the PKP2 protein (p.Ser102Phe). This variant is not present in population databases (gnomAD no frequency). This variant has not been reported in the literature in individuals affected with PKP2-related conditions. ClinVar contains an entry for this variant (Variation ID: 1405775). An algorithm developed to predict the effect of missense changes on protein structure and function outputs the following: PolyPhen-2: "Benign". The phenylalanine amino acid residue is found in multiple mammalian species, which suggests that this missense change does not adversely affect protein function. In summary, the available evidence is currently insufficient to determine the role of this variant in disease. Therefore, it has been classified as a Variant of Uncertain Significance.

Color Diagnostics, LLC DBA Color Health
Classification: Likely benign for Cardiomyopathy. Last evaluated: 2025-01-21. Review status: criteria provided, single submitter. Criteria: ACMG Guidelines, 2015. Collection method: clinical testing. Allele origin: germline.

NM_001005242.3(PKP2):c.305C>T (p.Ser102Phe)

Gene: PKP2 (plakophilin 2; minus strand). Cytogenetic location: 12p11.21.
Variant type: single nucleotide variant.
Coding change: c.305C>T on transcript NM_001005242.3 (MANE Select); coding-DNA position 305, C replaced by T.
Protein change: p.Ser102Phe; replaces serine 102 with phenylalanine.
Molecular consequence: missense variant.
Genome position (GRCh38, 1-based): chr12:32,878,951, G>A on the plus strand (C>T on the coding strand, the complement: PKP2 is on the minus strand). VCF-style: chr12-32878951-G-A. GRCh37 (hg19) VCF-style: chr12-33031885-G-A.
Other names: c.305C>T (NM_004572.3); c.305C>T, p.Ser102Phe (NM_004572.4); short protein forms S102F.
Identifiers: ClinVar variation 1405775 (VCV001405775.12), dbSNP rs990377209, ClinGen allele CA235267347.